The following is an entry in ClinVar:

NM_000432.4(MYL2):c.13A>G (p.Lys5Glu)

Genes: MYL2 (myosin light chain 2; minus strand), LOC114827850 (VISTA enhancer hs2149; plus strand). Cytogenetic location: 12q24.11.
Variant type: single nucleotide variant.
Coding change: c.13A>G on transcript NM_000432.4 (MANE Select); coding-DNA position 13, A replaced by G.
Protein change: p.Lys5Glu; replaces lysine 5 with glutamic acid.
Molecular consequence: missense variant. On other transcripts: 5 prime UTR variant (1).
Genome position (GRCh38, 1-based): chr12:110,919,184, T>C on the plus strand (A>G on the coding strand, the complement: MYL2 is on the minus strand). VCF-style: chr12-110919184-T-C. GRCh37 (hg19) VCF-style: chr12-111356988-T-C.
Other names: c.13A>G, p.Lys5Glu (NM_001406745.1); c.-45A>G (NM_001406916.1); short protein forms K5E.
Identifiers: ClinVar variation 3896189 (VCV003896189.2).

ClinVar aggregate classification (germline): Uncertain significance (1 of 4 stars; one submission).

gnomAD v4.1: 1 of 1,613,432 alleles (0.000062%); highest among the groups gnomAD compares: Non-Finnish European, 0.000085%; no homozygotes.

Submission:

Women's Health and Genetics/Laboratory Corporation of America, LabCorp
Classification: Uncertain significance. Last evaluated: 2025-04-17. Review status: criteria provided, single submitter. Criteria: LabCorp Variant Classification Summary - May 2015. Collection method: clinical testing. Allele origin: germline.
Comment: Variant summary: MYL2 c.13A>G (p.Lys5Glu) results in a conservative amino acid change in the encoded protein sequence. Three of five in-silico tools predict a damaging effect of the variant on protein function. The variant was absent in 251288 control chromosomes. The available data on variant occurrences in the general population are insufficient to allow any conclusion about variant significance. To our knowledge, no occurrence of c.13A>G in individuals affected with Hypertrophic Cardiomyopathy and no experimental evidence demonstrating its impact on protein function have been reported. No submitters have cited clinical-significance assessments for this variant to ClinVar. Based on the evidence outlined above, the variant was classified as uncertain significance.